The following is an entry in ClinVar:

NM_003072.5(SMARCA4):c.2541G>C (p.Gln847His)

Gene: SMARCA4 (SWI/SNF related BAF chromatin remodeling complex subunit ATPase 4; plus strand). Cytogenetic location: 19p13.2.
Variant type: single nucleotide variant.
Coding change: c.2541G>C on transcript NM_003072.5 (MANE Select); coding-DNA position 2541, G replaced by C.
Protein change: p.Gln847His; replaces glutamine 847 with histidine.
Molecular consequence: missense variant. On other transcripts: non-coding transcript variant (1).
Genome position (GRCh38, 1-based): chr19:11,019,626, G>C. VCF-style: chr19-11019626-G-C. GRCh37 (hg19) VCF-style: chr19-11130302-G-C.
Other names: c.2541G>C, p.Gln847His (NM_001128844.3, NM_001128845.2, NM_001128846.2 and 5 more transcripts); short protein forms Q847H.
Identifiers: ClinVar variation 423325 (VCV000423325.17), dbSNP rs1064796361, ClinGen allele CA16620729.

ClinVar aggregate classification (germline): Uncertain significance. Review status: criteria provided, multiple submitters, no conflicts (2 of 4 stars). 4 submissions from 4 submitters: Uncertain significance (4). Last evaluated 2025-12-15.

Conditions:
Hereditary cancer-predisposing syndrome. Also called: Hereditary neoplastic syndrome; Neoplastic Syndromes, Hereditary; Tumor predisposition; Hereditary Cancer Syndrome. Identifiers: Orphanet 140162, MedGen C0027672, MeSH D009386, MONDO:0015356.
Intellectual disability, autosomal dominant 16 (CSS4). Also called: COFFIN-SIRIS SYNDROME 4. Identifiers: Orphanet 1465, MedGen C3553249, MONDO:0013821, OMIM 614609.
Rhabdoid tumor predisposition syndrome 2 (RTPS2). Identifiers: Orphanet 231108, Orphanet 69077, MedGen C2750074, MONDO:0013224, OMIM 613325.

Allele frequency attached by ClinVar (database versions not stated): gnomAD 0.00001.
gnomAD v4.1: 3 of 1,613,070 alleles (0.00019%); highest among the groups gnomAD compares: Non-Finnish European, 0.00025%; no homozygotes.

Submissions (4):

Labcorp Genetics (formerly Invitae), Labcorp
Classification: Uncertain significance for Rhabdoid tumor predisposition syndrome 2. Last evaluated: 2025-12-15. Review status: criteria provided, single submitter. Criteria: Invitae Variant Classification Sherloc (09022015). Collection method: clinical testing. Allele origin: germline.
Comment: This sequence change replaces glutamine, which is neutral and polar, with histidine, which is basic and polar, at codon 847 of the SMARCA4 protein (p.Gln847His). This variant is present in population databases (no rsID available, gnomAD 0.007%). This variant has not been reported in the literature in individuals affected with SMARCA4-related conditions. ClinVar contains an entry for this variant (Variation ID: 423325). Invitae Evidence Modeling of protein sequence and biophysical properties (such as structural, functional, and spatial information, amino acid conservation, physicochemical variation, residue mobility, and thermodynamic stability) has been performed for this missense variant. However, the output from this modeling did not meet the statistical confidence thresholds required to predict the impact of this variant on SMARCA4 protein function. In summary, the available evidence is currently insufficient to determine the role of this variant in disease. Therefore, it has been classified as a Variant of Uncertain Significance.

Ambry Genetics
Classification: Uncertain significance for Hereditary cancer-predisposing syndrome. Last evaluated: 2024-10-14. Review status: criteria provided, single submitter. Criteria: Ambry Variant Classification Scheme 2023. Collection method: clinical testing. Allele origin: germline.
Comment: The p.Q847H variant (also known as c.2541G>C), located in coding exon 17 of the SMARCA4 gene, results from a G to C substitution at nucleotide position 2541. The glutamine at codon 847 is replaced by histidine, an amino acid with highly similar properties. This amino acid position is well conserved in available vertebrate species. In addition, the in silico prediction for this alteration is inconclusive. Based on the available evidence, the clinical significance of this variant remains unclear.

Genome-Nilou Lab
Classification: Uncertain significance for Intellectual disability, autosomal dominant 16. Last evaluated: 2021-07-15. Review status: criteria provided, single submitter. Criteria: ACMG Guidelines, 2015. Collection method: clinical testing. Allele origin: germline. Affected: no.

GeneDx
Classification: Uncertain significance. Last evaluated: 2017-02-09. Review status: criteria provided, single submitter. Criteria: GeneDx Variant Classification (06012015). Collection method: clinical testing. Allele origin: germline. Affected: yes.
Comment: The Q847H variant in the SMARCA4 gene has not been reported previously as a pathogenic variant, nor as a benign variant, to our knowledge. The Q847H variant is not observed in large population cohorts (Lek et al., 2016; 1000 Genomes Consortium et al., 2015; Exome Variant Server). The Q847H variant is a semi-conservative amino acid substitution, which may impact secondary protein structure as these residues differ in some properties. This substitution occurs at a position that is conserved in mammals. In silico analysis predicts this variant is probably damaging to the protein structure/function. We interpret Q847H as a variant of uncertain significance